The following is an entry in ClinVar:

NM_001365536.1(SCN9A):c.2800G>A (p.Asp934Asn)

Genes: SCN9A (sodium voltage-gated channel alpha subunit 9; minus strand), SCN1A-AS1 (SCN1A and SCN9A antisense RNA 1; plus strand). Cytogenetic location: 2q24.3.
Variant type: single nucleotide variant.
Coding change: c.2800G>A on transcript NM_001365536.1 (MANE Select); coding-DNA position 2800, G replaced by A.
Protein change: p.Asp934Asn; replaces aspartic acid 934 with asparagine.
Molecular consequence: missense variant.
Genome position (GRCh38, 1-based): chr2:166,277,057, C>T on the plus strand (G>A on the coding strand, the complement: SCN9A is on the minus strand). VCF-style: chr2-166277057-C-T. GRCh37 (hg19) VCF-style: chr2-167133567-C-T.
Other names: c.2767G>A, p.Asp923Asn (NM_002977.4); short protein forms D923N, D934N.
Identifiers: ClinVar variation 1011714 (VCV001011714.9), dbSNP rs756279972, ClinGen allele CA1944201.
Genomic context (GRCh38, chr2:166,277,057, plus strand): 5'-TGACCATGACCATCATGTAAACAATAAGGCACATAGCTTGACCAGCGACCTCCATACAGT[C>T]CCACATGGTCTCTATCCACTCTCCACACAGCACGCGGAACACAATCAGGAAGGAGTGGAA-3'
Protein context (NP_001352465.1, residues 924-944): LCGEWIETMW[Asp934Asn]CMEVAGQAMC

ClinVar aggregate classification (germline): Uncertain significance (1 of 4 stars; one submission).

Conditions:
Generalized epilepsy with febrile seizures plus, type 7 (GEFSP7). Also called: GEFS+, TYPE 7. Identifiers: Orphanet 36387, MedGen C2751778, MONDO:0013470, OMIM 613863.
Neuropathy, hereditary sensory and autonomic, type 2A (HSAN2A). Also called: ACROOSTEOLYSIS, GIACCAI TYPE; ACROOSTEOLYSIS, NEUROGENIC; MORVAN DISEASE; NEUROPATHY, CONGENITAL SENSORY; NEUROPATHY, HEREDITARY SENSORY RADICULAR, AUTOSOMAL RECESSIVE; NEUROPATHY, HEREDITARY SENSORY, TYPE IIA. Identifiers: Orphanet 970, MedGen C2752089, MONDO:0024309, OMIM 201300.

Allele frequency attached by ClinVar (database versions not stated): gnomAD exomes below 0.00001; ExAC 0.00001.

Submission:

Labcorp Genetics (formerly Invitae), Labcorp
Classification: Uncertain significance for Neuropathy, hereditary sensory and autonomic, type 2A; Generalized epilepsy with febrile seizures plus, type 7. Last evaluated: 2023-10-10. Review status: criteria provided, single submitter. Criteria: Invitae Variant Classification Sherloc (09022015). Collection method: clinical testing. Allele origin: germline.
Comment: This sequence change replaces aspartic acid, which is acidic and polar, with asparagine, which is neutral and polar, at codon 923 of the SCN9A protein (p.Asp923Asn). This variant is present in population databases (rs756279972, gnomAD 0.007%). This variant has not been reported in the literature in individuals affected with SCN9A-related conditions. ClinVar contains an entry for this variant (Variation ID: 1011714). Advanced modeling of protein sequence and biophysical properties (such as structural, functional, and spatial information, amino acid conservation, physicochemical variation, residue mobility, and thermodynamic stability) performed at Invitae indicates that this missense variant is not expected to disrupt SCN9A protein function. In summary, the available evidence is currently insufficient to determine the role of this variant in disease. Therefore, it has been classified as a Variant of Uncertain Significance.